The following is an entry in ClinVar:

ClinVar aggregate classification (germline): Conflicting classifications of pathogenicity. Review status: criteria provided, conflicting classifications (1 of 4 stars). 2 submissions from 2 submitters: Uncertain significance (1); Likely benign (1). Last evaluated 2025-09-16.

Conditions:
Familial thoracic aortic aneurysm and aortic dissection (TAAD). Also called: Thoracic aortic aneurysms and dissections. Identifiers: Orphanet 91387, MedGen C4707243, MONDO:0019625.
Aortic aneurysm, familial thoracic 4 (AAT4). Also called: AORTIC ANEURYSM/AORTIC DISSECTION AND PATENT DUCTUS ARTERIOSUS. Identifiers: MedGen C1851504, MONDO:0007568, OMIM 132900.

Allele frequency attached by ClinVar (database versions not stated): gnomAD exomes below 0.00001.
gnomAD v4.1: 7 of 1,613,814 alleles (0.00043%); highest among the groups gnomAD compares: South Asian, 0.0044%; no homozygotes.

Submissions (2):

Labcorp Genetics (formerly Invitae), Labcorp
Classification: Uncertain significance for Aortic aneurysm, familial thoracic 4. Last evaluated: 2025-09-16. Review status: criteria provided, single submitter. Criteria: Invitae Variant Classification Sherloc (09022015). Collection method: clinical testing. Allele origin: germline.
Comment: This sequence change affects codon 218 of the MYH11 mRNA. It is a 'silent' change, meaning that it does not change the encoded amino acid sequence of the MYH11 protein. It also falls at the last nucleotide of exon 6 of the MYH11 coding sequence. The frequency data for this variant in the population databases is considered unreliable, as metrics indicate poor data quality at this position in the gnomAD database. This variant has not been reported in the literature in individuals affected with MYH11-related conditions. ClinVar contains an entry for this variant (Variation ID: 405469). Algorithms developed to predict the effect of sequence changes on RNA splicing suggest that this variant is not likely to affect RNA splicing. In summary, the available evidence is currently insufficient to determine the role of this variant in disease. Therefore, it has been classified as a Variant of Uncertain Significance.

Color Diagnostics, LLC DBA Color Health
Classification: Likely benign for Familial thoracic aortic aneurysm and aortic dissection. Last evaluated: 2019-05-04. Review status: criteria provided, single submitter. Criteria: ACMG Guidelines, 2015. Collection method: clinical testing. Allele origin: germline.

NM_001040113.2(MYH11):c.654C>T (p.Tyr218=)

Gene: MYH11 (myosin heavy chain 11; minus strand). Cytogenetic location: 16p13.11.
Variant type: single nucleotide variant.
Coding change: c.654C>T on transcript NM_001040113.2 (MANE Plus Clinical); coding-DNA position 654, C replaced by T.
Protein change: p.Tyr218=; no amino-acid change (tyrosine 218 retained).
Molecular consequence: synonymous variant. On other transcripts: intron variant (2).
Genome position (GRCh38, 1-based): chr16:15,784,698, G>A on the plus strand (C>T on the coding strand, the complement: MYH11 is on the minus strand). VCF-style: chr16-15784698-G-A. GRCh37 (hg19) VCF-style: chr16-15878555-G-A.
Other names: c.654C>T, p.Tyr218= (NM_001040114.2); c.633+1932C>T (NM_002474.3, NM_022844.3).
Identifiers: ClinVar variation 405469 (VCV000405469.8), dbSNP rs1060500725, ClinGen allele CA16614682.